The following is an entry in ClinVar:

NM_031885.5(BBS2):c.1274dup (p.Gly425_Glu426insTer)

Gene: BBS2 (Bardet-Biedl syndrome 2; minus strand). Cytogenetic location: 16q13.
Variant type: Duplication.
Coding change: c.1274dup on transcript NM_031885.5 (MANE Select); coding-DNA position 1274, one base duplicated (G; older notation c.1274dupG).
Protein change: p.Gly425_Glu426insTer.
Molecular consequence: frameshift variant. On other transcripts: non-coding transcript variant (2).
Genome position (GRCh38, 1-based): chr16:56,500,977, C duplicated on the plus strand (G on the coding strand, the reverse complement: BBS2 is on the minus strand); the first of 2 consecutive C bases (chr16:56,500,977-56,500,978); duplicating either gives the same sequence. VCF-style (leftmost placement, unchanged base first): chr16-56500976-A-AC. GRCh37 (hg19) VCF-style: chr16-56534888-A-AC.
Other names: c.1274dup, p.Gly425_Glu426insTer (NM_001377456.1).
Identifiers: ClinVar variation 4734667 (VCV004734667.1).

ClinVar aggregate classification (germline): Pathogenic (1 of 4 stars; one submission).

Conditions:
Bardet-Biedl syndrome (BBS). Identifiers: Orphanet 110, MedGen C0752166, MONDO:0015229.

Submission:

Labcorp Genetics (formerly Invitae), Labcorp
Classification: Pathogenic for Bardet-Biedl syndrome. Last evaluated: 2026-01-03. Review status: criteria provided, single submitter. Criteria: Invitae Variant Classification Sherloc (09022015). Collection method: clinical testing. Allele origin: germline.
Comment: This sequence change creates a premature translational stop signal (p.Glu426*) in the BBS2 gene. It is expected to result in an absent or disrupted protein product. Loss-of-function variants in BBS2 are known to be pathogenic (PMID: 11285252, 20177705, 24608809, 26518167). This variant is not present in population databases (gnomAD no frequency). This variant has not been reported in the literature in individuals affected with BBS2-related conditions. Algorithms developed to predict the effect of sequence changes on RNA splicing suggest that this variant may disrupt the consensus splice site. For these reasons, this variant has been classified as Pathogenic.

Literature cited by the submitters: PubMed 11285252; PubMed 20177705; PubMed 24608809; PubMed 26518167.